The following is an entry in ClinVar:

NM_198576.4(AGRN):c.3001C>A (p.Pro1001Thr)

Gene: AGRN (agrin; plus strand). Cytogenetic location: 1p36.33.
Variant type: single nucleotide variant.
Coding change: c.3001C>A on transcript NM_198576.4 (MANE Select); coding-DNA position 3001, C replaced by A.
Protein change: p.Pro1001Thr; replaces proline 1001 with threonine.
Molecular consequence: missense variant.
Genome position (GRCh38, 1-based): chr1:1,046,486, C>A. VCF-style: chr1-1046486-C-A. GRCh37 (hg19) VCF-style: chr1-981866-C-A.
Other names: c.3001C>A, p.Pro1001Thr (NM_001305275.2); c.2686C>A, p.Pro896Thr (NM_001364727.2); short protein forms P1001T, P896T.
Identifiers: ClinVar variation 658761 (VCV000658761.14), dbSNP rs752212460, ClinGen allele CA508908.

ClinVar aggregate classification (germline): Conflicting classifications of pathogenicity. Review status: criteria provided, conflicting classifications (1 of 4 stars). 4 submissions from 4 submitters: Uncertain significance (3); Likely benign (1). Last evaluated 2025-09-01.

Conditions:
Inborn genetic diseases. Identifiers: MedGen C0950123, MeSH D030342.
Congenital myasthenic syndrome 8. Also called: MYASTHENIC SYNDROME, CONGENITAL, DUE TO AGRIN DEFICIENCY; Myasthenic syndrome, congenital, 8, with pre- and postsynaptic defects. Identifiers: Orphanet 590, MedGen C3808739, MONDO:0014052, OMIM 615120.

Allele frequency attached by ClinVar (database versions not stated): TOPMed 0.00005.
gnomAD v4.1: 55 of 1,610,652 alleles (0.0034%); highest among the groups gnomAD compares: Middle Eastern, 0.033%; no homozygotes.

Submissions (4):

CeGaT Center for Human Genetics Tuebingen
Classification: Uncertain significance. Last evaluated: 2025-09-01. Review status: criteria provided, single submitter. Criteria: CeGaT Center For Human Genetics Tuebingen Variant Classification Criteria Version 2. Collection method: clinical testing. Allele origin: germline. Affected: yes. Observed: 1 variant allele.
Comment: AGRN: PM2, BP4

3billion
Classification: Likely benign for Congenital myasthenic syndrome 8. Last evaluated: 2024-09-20. Review status: criteria provided, single submitter. Criteria: ACMG Guidelines, 2015. Collection method: clinical testing. Allele origin: germline. Affected: no.
Comment: The homozygous variant was found in patients diagnosed with another variant in a different gene, with no symptoms related to the gene containing the homozygous variant.

Ambry Genetics
Classification: Uncertain significance for Inborn genetic diseases. Last evaluated: 2024-02-28. Review status: criteria provided, single submitter. Criteria: Ambry Variant Classification Scheme 2023. Collection method: clinical testing. Allele origin: germline.

Labcorp Genetics (formerly Invitae), Labcorp
Classification: Uncertain significance for Congenital myasthenic syndrome 8. Last evaluated: 2022-06-20. Review status: criteria provided, single submitter. Criteria: Invitae Variant Classification Sherloc (09022015). Collection method: clinical testing. Allele origin: germline.
Comment: This sequence change replaces proline, which is neutral and non-polar, with threonine, which is neutral and polar, at codon 1001 of the AGRN protein (p.Pro1001Thr). This variant is present in population databases (rs752212460, gnomAD 0.006%). This variant has not been reported in the literature in individuals affected with AGRN-related conditions. ClinVar contains an entry for this variant (Variation ID: 658761). Algorithms developed to predict the effect of missense changes on protein structure and function are either unavailable or do not agree on the potential impact of this missense change (SIFT: "Tolerated"; PolyPhen-2: "Possibly Damaging"; Align-GVGD: "Class C0"). In summary, the available evidence is currently insufficient to determine the role of this variant in disease. Therefore, it has been classified as a Variant of Uncertain Significance.